The following is an entry in ClinVar:

ClinVar aggregate classification (germline): Benign (0 of 4 stars; one submission).

Conditions:
QRICH2-related disorder. Also called: QRICH2-related condition.

Allele frequency attached by ClinVar (database versions not stated): 1000 Genomes Project 0.00839; ESP Exome Variant Server 0.00869.
gnomAD v4.1: 2,767 of 1,522,114 alleles (0.18%); highest among the groups gnomAD compares: African/African-American, 3.6%; 53 homozygotes.

Submission:

PreventionGenetics, part of Exact Sciences
Classification: Benign for QRICH2-related condition. Last evaluated: 2019-08-08. Review status: no assertion criteria provided. Collection method: clinical testing. Allele origin: germline.
Comment: This variant is classified as benign based on ACMG/AMP sequence variant interpretation guidelines (Richards et al. 2015 PMID: 25741868, with internal and published modifications).

NM_001388453.1(QRICH2):c.2572C>G (p.Gln858Glu)

Gene: QRICH2 (glutamine rich 2; minus strand). Cytogenetic location: 17q25.1.
Variant type: single nucleotide variant.
Coding change: c.2572C>G on transcript NM_001388453.1 (MANE Select); coding-DNA position 2572, C replaced by G.
Protein change: p.Gln858Glu; replaces glutamine 858 with glutamic acid.
Molecular consequence: missense variant.
Genome position (GRCh38, 1-based): chr17:76,292,155, G>C on the plus strand (C>G on the coding strand, the complement: QRICH2 is on the minus strand). VCF-style: chr17-76292155-G-C. GRCh37 (hg19) VCF-style: chr17-74288236-G-C.
Other names: c.2572C>G, p.Gln858Glu (NM_032134.3); short protein forms Q858E.
Identifiers: ClinVar variation 3049672 (VCV003049672.2), dbSNP rs140261388, ClinGen allele CA8783999.
Genomic context (GRCh38, chr17:76,292,155, plus strand): 5'-GATCCACTCCAGGTTGCACCAAACCACGCTGATCCACTCCAGGTTGGACCAAACCACGCT[G>C]ATCTGCACCAGGTTGGACCAAACCATGCTGAACTGCACCAGGTTGGACCAAACCACGCTG-3'
Protein context (NP_001375382.1, residues 848-868): QHGLVQPGAD[Gln858Glu]RGLVQPGVDQ